The following is an entry in ClinVar:

NM_001349253.2(SCN11A):c.1142T>C (p.Ile381Thr)

Gene: SCN11A (sodium voltage-gated channel alpha subunit 11; minus strand). Cytogenetic location: 3p22.2.
Variant type: single nucleotide variant.
Coding change: c.1142T>C on transcript NM_001349253.2 (MANE Select); coding-DNA position 1142, T replaced by C.
Protein change: p.Ile381Thr; replaces isoleucine 381 with threonine.
Molecular consequence: missense variant.
Genome position (GRCh38, 1-based): chr3:38,909,154, A>G on the plus strand (T>C on the coding strand, the complement: SCN11A is on the minus strand). VCF-style: chr3-38909154-A-G. GRCh37 (hg19) VCF-style: chr3-38950645-A-G.
Other names: c.1142T>C, p.Ile381Thr (NM_014139.3); c.1142T>C (NM_014139.2); short protein forms I381T.
Identifiers: ClinVar variation 157600 (VCV000157600.10), dbSNP rs606231280, ClinGen allele CA171014.

ClinVar aggregate classification (germline): Conflicting classifications of pathogenicity. Review status: criteria provided, conflicting classifications (1 of 4 stars). 5 submissions from 5 submitters: Likely pathogenic (2); Uncertain significance (2). 1 of the submissions does not count toward it. Last evaluated 2022-12-08.

Conditions:
Inborn genetic diseases. Identifiers: MedGen C0950123, MeSH D030342.
Familial episodic pain syndrome with predominantly lower limb involvement. Also called: Episodic pain syndrome, familial, 3. Identifiers: Orphanet 391384, Orphanet 391392, MedGen C3809899, MONDO:0014247, OMIM 615552.
Hereditary sensory and autonomic neuropathy type 7. Also called: HSAN VII; Neuropathy, hereditary sensory and autonomic, type VII. Identifiers: Orphanet 391397, MedGen C3809882, MONDO:0014244, OMIM 615548.

Allele frequency attached by ClinVar (database versions not stated): gnomAD 0.00001; gnomAD exomes 0.00001 and 0.00002; TOPMed 0.00001.

Submissions (5):

Institute of Medical Genetics and Applied Genomics, University Hospital Tübingen
Classification: Likely pathogenic for Hereditary sensory and autonomic neuropathy type 7. Last evaluated: 2022-12-08. Review status: criteria provided, single submitter. Criteria: ACMG Guidelines, 2015. Collection method: clinical testing. Allele origin: germline. Inheritance: Autosomal dominant inheritance. Affected: yes.

Labcorp Genetics (formerly Invitae), Labcorp
Classification: Uncertain significance for Familial episodic pain syndrome with predominantly lower limb involvement; Hereditary sensory and autonomic neuropathy type 7. Last evaluated: 2022-02-17. Review status: criteria provided, single submitter. Criteria: Invitae Variant Classification Sherloc (09022015). Collection method: clinical testing. Allele origin: germline.
Comment: This missense change has been observed in individuals with SCN11A-related conditions (PMID: 24776970). In summary, the available evidence is currently insufficient to determine the role of this variant in disease. Therefore, it has been classified as a Variant of Uncertain Significance. Experimental studies have shown that this missense change affects SCN11A function (PMID: 24776970). Algorithms developed to predict the effect of missense changes on protein structure and function are either unavailable or do not agree on the potential impact of this missense change (SIFT: "Deleterious"; PolyPhen-2: "Benign"; Align-GVGD: "Class C25"). ClinVar contains an entry for this variant (Variation ID: 157600). This variant is present in population databases (rs606231280, gnomAD 0.002%). This sequence change replaces isoleucine, which is neutral and non-polar, with threonine, which is neutral and polar, at codon 381 of the SCN11A protein (p.Ile381Thr).

3billion
Classification: Likely pathogenic for Hereditary sensory and autonomic neuropathy type 7. Last evaluated: 2022-01-03. Review status: criteria provided, single submitter. Criteria: ACMG Guidelines, 2015. Collection method: clinical testing. Allele origin: germline. Affected: yes. Observed: 1 heterozygote.
Comment: Functional studies provide strong evidence of the variant having a damaging effect on the gene or gene product (PMID:24776970, PS3_S). In silico tool predictions suggest damaging effect of the variant on gene or gene product (REVEL: 0.843, PP3_P). A missense variant is a common mechanism associated with Neuropathy (PP2_P). It is observed at an extremely low frequency in the gnomAD v2.1.1 dataset (total allele frequency: 0.000008, PM2_M). Therefore, this variant is classified as likely pathogenic according to the recommendation of ACMG/AMP guideline.

Ambry Genetics
Classification: Uncertain significance for Inborn genetic diseases. Last evaluated: 2020-08-03. Review status: criteria provided, single submitter. Criteria: Ambry Variant Classification Scheme 2023. Collection method: clinical testing. Allele origin: germline.
Comment: The p.I381T variant (also known as c.1142T>C), located in coding exon 9 of the SCN11A gene, results from a T to C substitution at nucleotide position 1142. The isoleucine at codon 381 is replaced by threonine, an amino acid with similar properties. This alteration has been reported in two independent patients with painful peripheral neuropathy, one of whom was diagnosed with small fiber neuropathy together with large fiber dysfunction and abnormal nerve conduction studies, and the other with pure small fiber neuropathy and normal nerve conduction studies (Huang J et al. Brain, 2014 Jun;137:1627-42). Functional studies demonstrate that this alteration confers gain of function attributes on the Nav1.9 sodium channel resulting in hyperexcitability of dorsal root ganglion neurons compared to wild-type; however, pathogenic controls were not used for comparison (Huang J et al. Brain, 2014 Jun;137:1627-42). This amino acid position is poorly conserved in available vertebrate species. In addition, the in silico prediction for this alteration is inconclusive. Since supporting evidence is limited at this time, the clinical significance of this alteration remains unclear.

OMIM
Classification: Pathogenic for EPISODIC PAIN SYNDROME, FAMILIAL, 3. Last evaluated: 2014-06-01. Review status: no assertion criteria provided. Collection method: literature only. Allele origin: germline. Not counted in ClinVar's aggregate classification.

Literature cited by the submitters: PubMed 24776970 (cited by 4 submitters).